The following is an entry in ClinVar:

ClinVar aggregate classification (germline): Uncertain significance. Review status: criteria provided, multiple submitters, no conflicts (2 of 4 stars). 2 submissions from 2 submitters: Uncertain significance (2). Last evaluated 2025-03-03.

Conditions:
Inborn genetic diseases. Identifiers: MedGen C0950123, MeSH D030342.
Fanconi anemia (FA). Also called: Fanconi's anemia. Identifiers: Orphanet 84, MedGen C0015625, MeSH D005199, MONDO:0019391.

Allele frequency attached by ClinVar (database versions not stated): gnomAD 0.00001; TOPMed 0.00001.
gnomAD v4.1: 3 of 1,614,004 alleles (0.00019%); highest among the groups gnomAD compares: Non-Finnish European, 0.00017%; no homozygotes.

Submissions (2):

Ambry Genetics
Classification: Uncertain significance for Inborn genetic diseases. Last evaluated: 2025-03-03. Review status: criteria provided, single submitter. Criteria: Ambry Variant Classification Scheme 2023. Collection method: clinical testing. Allele origin: germline.
Comment: The p.V157E variant (also known as c.470T>A), located in coding exon 1 of the FANCM gene, results from a T to A substitution at nucleotide position 470. The valine at codon 157 is replaced by glutamic acid, an amino acid with dissimilar properties. This amino acid position is conserved. In addition, the in silico prediction for this alteration is inconclusive. Based on the available evidence, the clinical significance of this variant remains unclear.

Labcorp Genetics (formerly Invitae), Labcorp
Classification: Uncertain significance for Fanconi anemia. Last evaluated: 2021-06-09. Review status: criteria provided, single submitter. Criteria: Invitae Variant Classification Sherloc (09022015). Collection method: clinical testing. Allele origin: germline.
Comment: This variant has not been reported in the literature in individuals with FANCM-related conditions. This variant is not present in population databases (ExAC no frequency). This sequence change replaces valine with glutamic acid at codon 157 of the FANCM protein (p.Val157Glu). The valine residue is weakly conserved and there is a moderate physicochemical difference between valine and glutamic acid. Algorithms developed to predict the effect of missense changes on protein structure and function are either unavailable or do not agree on the potential impact of this missense change (SIFT: "Deleterious"; PolyPhen-2: "Possibly Damaging"; Align-GVGD: "Class C0"). In summary, the available evidence is currently insufficient to determine the role of this variant in disease. Therefore, it has been classified as a Variant of Uncertain Significance.

NM_020937.4(FANCM):c.470T>A (p.Val157Glu)

Gene: FANCM (FA complementation group M; plus strand). Cytogenetic location: 14q21.2.
Variant type: single nucleotide variant.
Coding change: c.470T>A on transcript NM_020937.4 (MANE Select); coding-DNA position 470, T replaced by A.
Protein change: p.Val157Glu; replaces valine 157 with glutamic acid.
Molecular consequence: missense variant.
Genome position (GRCh38, 1-based): chr14:45,136,501, T>A. VCF-style: chr14-45136501-T-A. GRCh37 (hg19) VCF-style: chr14-45605704-T-A.
Other names: c.470T>A (NM_020937.2); c.470T>A, p.Val157Glu (NM_001308133.2, NM_001308134.2); short protein forms V157E.
Identifiers: ClinVar variation 1364196 (VCV001364196.9), dbSNP rs1165497144, ClinGen allele CA389588408.